The following is an entry in ClinVar:

NM_022168.4(IFIH1):c.1219T>G (p.Cys407Gly)

Gene: IFIH1 (interferon induced with helicase C domain 1; minus strand). Cytogenetic location: 2q24.2.
Variant type: single nucleotide variant.
Coding change: c.1219T>G on transcript NM_022168.4 (MANE Select); coding-DNA position 1219, T replaced by G.
Protein change: p.Cys407Gly; replaces cysteine 407 with glycine.
Molecular consequence: missense variant.
Genome position (GRCh38, 1-based): chr2:162,282,453, A>C on the plus strand (T>G on the coding strand, the complement: IFIH1 is on the minus strand). VCF-style: chr2-162282453-A-C. GRCh37 (hg19) VCF-style: chr2-163138963-A-C.
Other names: short protein forms C407G.
Identifiers: ClinVar variation 4789321 (VCV004789321.1).
Genomic context (GRCh38, chr2:162,282,453, plus strand): 5'-CATTTTCCAAGTTTAAGAGGGAGTTTTCAAGGATTTGAGCTGTACTGATAATAATATCAC[A>C]GGACTTGACAACTTCTGGAAATGATATTTTCAGTTGGGTATCACCACTTAATCCAATAAC-3'
Protein context (NP_071451.2, residues 397-417): KISFPEVVKS[Cys407Gly]DIIISTAQIL

ClinVar aggregate classification (germline): Uncertain significance (1 of 4 stars; one submission).

Conditions:
Singleton-Merten syndrome 1 (SGMRT1). Also called: Widened medullary cavities of bone, aortic calcification, abnormal dentition, and muscular weakness; Syndrome of widened medullary cavities of the metacarpals and phalanges, aortic calcification and abnormal dentition. Identifiers: Orphanet 85191, MedGen C4225427, MONDO:0024535, OMIM 182250.
Aicardi-Goutieres syndrome 7 (AGS7). Identifiers: Orphanet 51, MedGen C3888244, MONDO:0014367, OMIM 615846.

Submission:

Labcorp Genetics (formerly Invitae), Labcorp
Classification: Uncertain significance for Aicardi-Goutieres syndrome 7; Singleton-Merten syndrome 1. Last evaluated: 2025-12-23. Review status: criteria provided, single submitter. Criteria: Invitae Variant Classification Sherloc (09022015). Collection method: clinical testing. Allele origin: germline.
Comment: This sequence change replaces cysteine, which is neutral and slightly polar, with glycine, which is neutral and non-polar, at codon 407 of the IFIH1 protein (p.Cys407Gly). This variant is not present in population databases (gnomAD no frequency). This variant has not been reported in the literature in individuals affected with IFIH1-related conditions. Invitae Evidence Modeling of protein sequence and biophysical properties (such as structural, functional, and spatial information, amino acid conservation, physicochemical variation, residue mobility, and thermodynamic stability) has been performed for this missense variant. However, the output from this modeling did not meet the statistical confidence thresholds required to predict the impact of this variant on IFIH1 protein function. In summary, the available evidence is currently insufficient to determine the role of this variant in disease. Therefore, it has been classified as a Variant of Uncertain Significance.